The following is an entry in ClinVar:

ClinVar aggregate classification (germline): Uncertain significance (1 of 4 stars; one submission).

Conditions:
Familial thoracic aortic aneurysm and aortic dissection (TAAD). Also called: Thoracic aortic aneurysms and dissections. Identifiers: Orphanet 91387, MedGen C4707243, MONDO:0019625.

Submission:

Ambry Genetics
Classification: Uncertain significance for Familial thoracic aortic aneurysm and aortic dissection. Last evaluated: 2016-07-22. Review status: criteria provided, single submitter. Criteria: Ambry Variant Classification Scheme 2023. Collection method: clinical testing. Allele origin: germline.
Comment: The p.P576S variant (also known as c.1726C>T), located in coding exon 15 of the PRKG1 gene, results from a C to T substitution at nucleotide position 1726. The proline at codon 576 is replaced by serine, an amino acid with similar properties. This variant was not reported in population based cohorts in the following databases: Database of Single Nucleotide Polymorphisms (dbSNP), NHLBI Exome Sequencing Project (ESP), and 1000 Genomes Project. In the ESP, this variant was not observed in 6503 samples (13006 alleles) with coverage at this position. This amino acid position is highly conserved in available vertebrate species. In addition, this alteration is predicted to be tolerated by in silico analysis. Since supporting evidence is limited at this time, the clinical significance of this alteration remains unclear.

NM_006258.4(PRKG1):c.1726C>T (p.Pro576Ser)

Gene: PRKG1 (protein kinase cGMP-dependent 1; plus strand). Cytogenetic location: 10q21.1.
Variant type: single nucleotide variant.
Coding change: c.1726C>T on transcript NM_006258.4 (MANE Select); coding-DNA position 1726, C replaced by T.
Protein change: p.Pro576Ser; replaces proline 576 with serine.
Molecular consequence: missense variant.
Genome position (GRCh38, 1-based): chr10:52,288,742, C>T. VCF-style: chr10-52288742-C-T. GRCh37 (hg19) VCF-style: chr10-54048502-C-T.
Other names: c.1726C>T, p.Pro576Ser (LRG_1135t1); c.1681C>T, p.Pro561Ser (LRG_1135t2, NM_001098512.3); short protein forms P561S, P576S.
Identifiers: ClinVar variation 520136 (VCV000520136.5), dbSNP rs1482011029, ClinGen allele CA376536139.